The following is an entry in ClinVar:

ClinVar aggregate classification (germline): Benign/Likely benign. Review status: criteria provided, multiple submitters, no conflicts (2 of 4 stars). 3 submissions from 3 submitters: Benign (1); Likely benign (2). Last evaluated 2026-01-23.

Conditions:
Renal hypomagnesemia 2 (HOMG2). Also called: MAGNESIUM LOSS, ISOLATED RENAL. Identifiers: Orphanet 34528, MedGen C1835171, MONDO:0007937, OMIM 154020.

Allele frequency attached by ClinVar (database versions not stated): 1000 Genomes Project 30x 0.00031; ExAC 0.00031; ESP Exome Variant Server 0.00031; gnomAD 0.00040; gnomAD exomes 0.00040 and 0.00092; TOPMed 0.00041.
gnomAD v4.1: 1,326 of 1,559,370 alleles (0.085%); highest among the groups gnomAD compares: Non-Finnish European, 0.11%; no homozygotes.

Submissions (3):

Labcorp Genetics (formerly Invitae), Labcorp
Classification: Likely benign. Last evaluated: 2026-01-23. Review status: criteria provided, single submitter. Criteria: Invitae Variant Classification Sherloc (09022015). Collection method: clinical testing. Allele origin: germline.

Fulgent Genetics
Classification: Likely benign for Renal hypomagnesemia 2. Last evaluated: 2021-08-24. Review status: criteria provided, single submitter. Criteria: ACMG Guidelines, 2015. Collection method: clinical testing. Allele origin: unknown.

Illumina Laboratory Services, Illumina
Classification: Benign for Renal hypomagnesemia 2. Last evaluated: 2018-01-12. Review status: criteria provided, single submitter. Criteria: ICSL Variant Classification Criteria 13 December 2019. Collection method: clinical testing. Allele origin: germline.
Comment: This variant was observed in the ICSL laboratory as part of a predisposition screen in an ostensibly healthy population. It had not been previously curated by ICSL or reported in the Human Gene Mutation Database (HGMD: prior to June 1st, 2018), and was therefore a candidate for classification through an automated scoring system. Utilizing variant allele frequency, disease prevalence and penetrance estimates, and inheritance mode, an automated score was calculated to assess if this variant is too frequent to cause the disease. Based on the score and internal cut-off values, a variant classified as benign is not then subjected to further curation. The score for this variant resulted in a classification of benign for this disease.

NM_001680.5(FXYD2):c.126C>T (p.Leu42=)

Genes: FXYD6-FXYD2 (FXYD6-FXYD2 readthrough; minus strand), FXYD2 (FXYD domain containing ion transport regulator 2; minus strand). Cytogenetic location: 11q23.3.
Variant type: single nucleotide variant.
Coding change: c.126C>T on transcript NM_001680.5 (MANE Select); coding-DNA position 126, C replaced by T.
Protein change: p.Leu42=; no amino-acid change (leucine 42 retained).
Molecular consequence: synonymous variant. On other transcripts: intron variant (1).
Genome position (GRCh38, 1-based): chr11:117,822,419, G>A on the plus strand (C>T on the coding strand, the complement: FXYD2 is on the minus strand). VCF-style: chr11-117822419-G-A. GRCh37 (hg19) VCF-style: chr11-117693134-G-A.
Other names: c.360C>T, p.Leu120= (NM_001204268.3); c.120C>T, p.Leu40= (NM_021603.4); c.311+260C>T (NM_001243598.4).
Identifiers: ClinVar variation 719221 (VCV000719221.12), dbSNP rs144279659, ClinGen allele CA6297810.
Genomic context (GRCh38, chr11:117,822,419, plus strand): 5'-AGAGGTGCCCTGGTCAGCACCCCTTCCCTGGAGGCCACCCCACTTACTGAGGAGGATGAG[G>A]AGCCCCACGATGAAGGCCAGTCCAGCGAAGATCAGGCCCCCATTGCGAACGGTCTCATAG-3'
Protein context (NP_001671.2, residues 32-52): IFAGLAFIVG[Leu42=]LILLSRRFRC